The following is an entry in ClinVar:

ClinVar aggregate classification (germline): Uncertain significance. Review status: criteria provided, multiple submitters, no conflicts (2 of 4 stars). 2 submissions from 2 submitters: Uncertain significance (2). Last evaluated 2025-02-12.

Conditions:
Hereditary cancer-predisposing syndrome. Also called: Neoplastic Syndromes, Hereditary; Tumor predisposition; Hereditary neoplastic syndrome; Hereditary Cancer Syndrome. Identifiers: Orphanet 140162, MedGen C0027672, MeSH D009386, MONDO:0015356.
Fanconi anemia complementation group O. Also called: RAD51C-Related Fanconi Anemia. Identifiers: Orphanet 84, MedGen C3150653, MONDO:0013248, OMIM 613390.

gnomAD v4.1: 1 of 1,614,258 alleles (0.000062%); highest among the groups gnomAD compares: Non-Finnish European, 0.000085%; no homozygotes.

Submissions (2):

Labcorp Genetics (formerly Invitae), Labcorp
Classification: Uncertain significance for Fanconi anemia complementation group O. Last evaluated: 2025-02-12. Review status: criteria provided, single submitter. Criteria: Invitae Variant Classification Sherloc (09022015). Collection method: clinical testing. Allele origin: germline.
Comment: This sequence change replaces glutamine, which is neutral and polar, with lysine, which is basic and polar, at codon 33 of the RAD51C protein (p.Gln33Lys). This variant is not present in population databases (gnomAD no frequency). This variant has not been reported in the literature in individuals affected with RAD51C-related conditions. Invitae Evidence Modeling of protein sequence and biophysical properties (such as structural, functional, and spatial information, amino acid conservation, physicochemical variation, residue mobility, and thermodynamic stability) indicates that this missense variant is not expected to disrupt RAD51C protein function with a negative predictive value of 80%. In summary, the available evidence is currently insufficient to determine the role of this variant in disease. Therefore, it has been classified as a Variant of Uncertain Significance.

Color Diagnostics, LLC DBA Color Health
Classification: Uncertain significance for Hereditary cancer-predisposing syndrome. Last evaluated: 2024-05-21. Review status: criteria provided, single submitter. Criteria: ACMG Guidelines, 2015. Collection method: clinical testing. Allele origin: germline.
Comment: This missense variant replaces glutamine with lysine at codon 33 of the RAD51C protein. Computational prediction suggests that this variant may not impact protein structure and function. To our knowledge, functional studies have not been reported for this variant. This variant has not been reported in individuals affected with RAD51C-related disorders in the literature. This variant has not been identified in the general population by the Genome Aggregation Database (gnomAD). The available evidence is insufficient to determine the role of this variant in disease conclusively. Therefore, this variant is classified as a Variant of Uncertain Significance.

NM_058216.3(RAD51C):c.97C>A (p.Gln33Lys)

Gene: RAD51C (RAD51 paralog C; plus strand). Cytogenetic location: 17q22.
Variant type: single nucleotide variant.
Coding change: c.97C>A on transcript NM_058216.3 (MANE Select); coding-DNA position 97, C replaced by A.
Protein change: p.Gln33Lys; replaces glutamine 33 with lysine.
Molecular consequence: missense variant. On other transcripts: non-coding transcript variant (1).
Genome position (GRCh38, 1-based): chr17:58,692,740, C>A. VCF-style: chr17-58692740-C-A. GRCh37 (hg19) VCF-style: chr17-56770101-C-A.
Other names: c.97C>A, p.Gln33Lys (NM_002876.4); short protein forms Q33K.
Identifiers: ClinVar variation 3893789 (VCV003893789.2).